The following is an entry in ClinVar:

ClinVar aggregate classification (germline): Uncertain significance (1 of 4 stars; one submission).

Submission:

GeneDx
Classification: Uncertain significance. Last evaluated: 2025-06-09. Review status: criteria provided, single submitter. Criteria: GeneDx Variant Classification Process June 2021. Collection method: clinical testing. Allele origin: germline. Affected: yes.
Comment: Not observed at significant frequency in large population cohorts (gnomAD); In silico analysis supports that this missense variant has a deleterious effect on protein structure/function; Has not been previously published as pathogenic or benign to our knowledge

NM_001122630.2(CDKN1C):c.7C>T (p.Arg3Cys)

Gene: CDKN1C (cyclin dependent kinase inhibitor 1C; minus strand). Cytogenetic location: 11p15.4.
Variant type: single nucleotide variant.
Coding change: c.7C>T on transcript NM_001122630.2 (MANE Select); coding-DNA position 7, C replaced by T.
Protein change: p.Arg3Cys; replaces arginine 3 with cysteine.
Molecular consequence: missense variant.
Genome position (GRCh38, 1-based): chr11:2,885,450, G>A on the plus strand (C>T on the coding strand, the complement: CDKN1C is on the minus strand). VCF-style: chr11-2885450-G-A. GRCh37 (hg19) VCF-style: chr11-2906680-G-A.
Other names: c.40C>T, p.Arg14Cys (NM_000076.2, NM_001362474.2); c.7C>T, p.Arg3Cys (NM_001122631.2, NM_001362475.2); short protein forms R14C, R3C.
Identifiers: ClinVar variation 4537924 (VCV004537924.1).